The following is an entry in ClinVar:

NM_001371986.1(UNC80):c.9272T>G (p.Leu3091Arg)

Gene: UNC80 (unc-80 subunit of NALCN channel complex; plus strand). Cytogenetic location: 2q34.
Variant type: single nucleotide variant.
Coding change: c.9272T>G on transcript NM_001371986.1 (MANE Select); coding-DNA position 9272, T replaced by G.
Protein change: p.Leu3091Arg; replaces leucine 3091 with arginine.
Molecular consequence: missense variant. On other transcripts: intron variant (1).
Genome position (GRCh38, 1-based): chr2:209,984,870, T>G. VCF-style: chr2-209984870-T-G. GRCh37 (hg19) VCF-style: chr2-210849594-T-G.
Other names: c.9074T>G, p.Leu3025Arg (NM_032504.2); c.9044+2553T>G (NM_182587.4); short protein forms L3091R, L3025R.
Identifiers: ClinVar variation 1501870 (VCV001501870.8), dbSNP rs2125025530, ClinGen allele CA350415137.

ClinVar aggregate classification (germline): Uncertain significance (1 of 4 stars; one submission).

Submission:

Labcorp Genetics (formerly Invitae), Labcorp
Classification: Uncertain significance. Last evaluated: 2022-07-25. Review status: criteria provided, single submitter. Criteria: Invitae Variant Classification Sherloc (09022015). Collection method: clinical testing. Allele origin: germline.
Comment: In summary, the available evidence is currently insufficient to determine the role of this variant in disease. Therefore, it has been classified as a Variant of Uncertain Significance. This sequence change replaces leucine, which is neutral and non-polar, with arginine, which is basic and polar, at codon 3025 of the UNC80 protein (p.Leu3025Arg). This variant is not present in population databases (gnomAD no frequency). This variant has not been reported in the literature in individuals affected with UNC80-related conditions. ClinVar contains an entry for this variant (Variation ID: 1501870). Algorithms developed to predict the effect of missense changes on protein structure and function are either unavailable or do not agree on the potential impact of this missense change (SIFT: "Not Available"; PolyPhen-2: "Possibly Damaging"; Align-GVGD: "Not Available").